The following is an entry in ClinVar:

NM_033380.3(COL4A5):c.1895G>C (p.Gly632Ala)

Gene: COL4A5 (collagen type IV alpha 5 chain; plus strand). Cytogenetic location: Xq22.3.
Variant type: single nucleotide variant.
Coding change: c.1895G>C on transcript NM_033380.3 (MANE Select); coding-DNA position 1895, G replaced by C.
Protein change: p.Gly632Ala; replaces glycine 632 with alanine.
Molecular consequence: missense variant.
Genome position (GRCh38, 1-based): chrX:108,598,817, G>C. VCF-style: chrX-108598817-G-C. GRCh37 (hg19) VCF-style: chrX-107842047-G-C.
Other names: c.1895G>C, p.Gly632Ala (NM_000495.5); short protein forms G632A.
Identifiers: ClinVar variation 5003907 (VCV005003907.1).

ClinVar aggregate classification (germline): Uncertain significance (1 of 4 stars; one submission).

Conditions:
X-linked Alport syndrome (ATS1). Also called: COL4A5-Related Nephropathy; NEPHROPATHY AND DEAFNESS, X-LINKED. Identifiers: Orphanet 63, Orphanet 88917, MedGen C4746986, MONDO:0010520, OMIM 301050.

Submission:

Myriad Genetics, Inc.
Classification: Uncertain significance for X-linked Alport syndrome. Last evaluated: 2026-05-13. Review status: criteria provided, single submitter. Criteria: Myriad Autosomal Dominant, Autosomal Recessive and X-Linked Classification Criteria (2023). Collection method: clinical testing. Allele origin: unknown.
Comment: NM_000495.4(COL4A5):c.1895G>C(G632A) is a missense variant classified as a variant of uncertain significance in the context of X-linked Alport syndrome. G632A has not been observed in cases with relevant disease. Relevant functional assessments of this variant are not available in the literature. G632A has not been observed in referenced population frequency databases. In summary, there is insufficient evidence to classify NM_000495.4(COL4A5):c.1895G>C(G632A) as pathogenic or benign. Please note: this variant was assessed in the context of healthy population screening.